The following is an entry in ClinVar:

ClinVar aggregate classification (germline): Uncertain significance (1 of 4 stars; one submission).

Submission:

Labcorp Genetics (formerly Invitae), Labcorp
Classification: Uncertain significance. Last evaluated: 2025-12-10. Review status: criteria provided, single submitter. Criteria: Invitae Variant Classification Sherloc (09022015). Collection method: clinical testing. Allele origin: germline.
Comment: This sequence change falls in intron 18 of the CLCN7 gene. It does not directly change the encoded amino acid sequence of the CLCN7 protein. It affects a nucleotide within the consensus splice site. This variant is not present in population databases (gnomAD no frequency). This variant has not been reported in the literature in individuals affected with CLCN7-related conditions. Variants that disrupt the consensus splice site are a relatively common cause of aberrant splicing (PMID: 17576681, 9536098). Algorithms developed to predict the effect of sequence changes on RNA splicing suggest that this variant is not likely to affect RNA splicing. In summary, the available evidence is currently insufficient to determine the role of this variant in disease. Therefore, it has been classified as a Variant of Uncertain Significance.

Literature cited by the submitters: PubMed 17576681; PubMed 9536098.

NM_001287.6(CLCN7):c.1669+5G>A

Gene: CLCN7 (chloride voltage-gated channel 7; minus strand). Cytogenetic location: 16p13.3.
Variant type: single nucleotide variant.
Coding change: c.1669+5G>A on transcript NM_001287.6 (MANE Select); 5 bases into the intron after coding-DNA position 1669, G replaced by A.
Molecular consequence: intron variant.
Genome position (GRCh38, 1-based): chr16:1,449,271, C>T on the plus strand (G>A on the coding strand, the complement: CLCN7 is on the minus strand). VCF-style: chr16-1449271-C-T. GRCh37 (hg19) VCF-style: chr16-1499272-C-T.
Other names: c.1597+5G>A (NM_001114331.3).
Identifiers: ClinVar variation 4732311 (VCV004732311.1).